The following is an entry in ClinVar:

NM_000180.4(GUCY2D):c.1771A>G (p.Asn591Asp)

Gene: GUCY2D (guanylate cyclase 2D, retinal; plus strand). Cytogenetic location: 17p13.1.
Variant type: single nucleotide variant.
Coding change: c.1771A>G on transcript NM_000180.4 (MANE Select); coding-DNA position 1771, A replaced by G.
Protein change: p.Asn591Asp; replaces asparagine 591 with aspartic acid.
Molecular consequence: missense variant.
Genome position (GRCh38, 1-based): chr17:8,012,165, A>G. VCF-style: chr17-8012165-A-G. GRCh37 (hg19) VCF-style: chr17-7915483-A-G.
Other names: short protein forms N591D.
Identifiers: ClinVar variation 974636 (VCV000974636.4), dbSNP rs1975862803, ClinGen allele CA397951230.

ClinVar aggregate classification (germline): Uncertain significance. Review status: criteria provided, single submitter (1 of 4 stars). 2 submissions from 2 submitters: Uncertain significance (1). 1 of the submissions does not count toward it. Last evaluated 2023-10-05.

Conditions:
Cone-rod dystrophy 6 (CORD6). Also called: Cone dystrophy progressive; RETINAL CONE DYSTROPHY 2. Identifiers: Orphanet 1872, MedGen C1866293, MONDO:0011143, OMIM 601777.
Leber congenital amaurosis 1 (LCA1). Also called: Congenital absence of the rods and cones; Leber's congenital tapetoretinal degeneration; Leber's congenital tapetoretinal dysplasia; AMAUROSIS CONGENITA OF LEBER I; RETINAL BLINDNESS, CONGENITAL. Identifiers: Orphanet 65, MedGen C2931258, MONDO:0008764, OMIM 204000.

Submissions (2):

Labcorp Genetics (formerly Invitae), Labcorp
Classification: Uncertain significance for Leber congenital amaurosis 1; Cone-rod dystrophy 6. Last evaluated: 2023-10-05. Review status: criteria provided, single submitter. Criteria: Invitae Variant Classification Sherloc (09022015). Collection method: clinical testing. Allele origin: germline.
Comment: This sequence change replaces asparagine, which is neutral and polar, with aspartic acid, which is acidic and polar, at codon 591 of the GUCY2D protein (p.Asn591Asp). This variant is not present in population databases (gnomAD no frequency). This variant has not been reported in the literature in individuals affected with GUCY2D-related conditions. ClinVar contains an entry for this variant (Variation ID: 974636). Advanced modeling of protein sequence and biophysical properties (such as structural, functional, and spatial information, amino acid conservation, physicochemical variation, residue mobility, and thermodynamic stability) performed at Invitae indicates that this missense variant is expected to disrupt GUCY2D protein function. In summary, the available evidence is currently insufficient to determine the role of this variant in disease. Therefore, it has been classified as a Variant of Uncertain Significance.

Laboratory of Genetics in Ophthalmology, Institut Imagine
Classification: Likely pathogenic for Leber congenital amaurosis 1. Review status: no assertion criteria provided. Collection method: research. Allele origin: inherited. Affected: yes. Observed: 1 variant allele. Not counted in ClinVar's aggregate classification.